The following is an entry in ClinVar:

NM_152866.3(MS4A1):c.122C>A (p.Thr41Lys)

Gene: MS4A1 (membrane spanning 4-domains A1; plus strand). Cytogenetic location: 11q12.2.
Variant type: single nucleotide variant.
Coding change: c.122C>A on transcript NM_152866.3 (MANE Select); coding-DNA position 122, C replaced by A.
Protein change: p.Thr41Lys; replaces threonine 41 with lysine.
Molecular consequence: missense variant.
Genome position (GRCh38, 1-based): chr11:60,462,496, C>A. VCF-style: chr11-60462496-C-A. GRCh37 (hg19) VCF-style: chr11-60229969-C-A.
Other names: c.122C>A, p.Thr41Lys (NM_021950.4, NM_152867.2); short protein forms T41K.
Identifiers: ClinVar variation 4696373 (VCV004696373.1).

ClinVar aggregate classification (germline): Uncertain significance (1 of 4 stars; one submission).

gnomAD v4.1: 4 of 1,614,190 alleles (0.00025%); highest among the groups gnomAD compares: East Asian, 0.0089%; no homozygotes.

Submission:

Labcorp Genetics (formerly Invitae), Labcorp
Classification: Uncertain significance. Last evaluated: 2025-04-30. Review status: criteria provided, single submitter. Criteria: Invitae Variant Classification Sherloc (09022015). Collection method: clinical testing. Allele origin: germline.
Comment: This sequence change replaces threonine, which is neutral and polar, with lysine, which is basic and polar, at codon 41 of the MS4A1 protein (p.Thr41Lys). This variant is present in population databases (rs147754874, gnomAD 0.02%). This variant has not been reported in the literature in individuals affected with MS4A1-related conditions. An algorithm developed to predict the effect of missense changes on protein structure and function (PolyPhen-2) suggests that this variant is likely to be disruptive. In summary, the available evidence is currently insufficient to determine the role of this variant in disease. Therefore, it has been classified as a Variant of Uncertain Significance.